The following is an entry in ClinVar:

NM_002972.4(SBF1):c.4192C>T (p.Pro1398Ser)

Gene: SBF1 (SET binding factor 1; minus strand). Cytogenetic location: 22q13.33.
Variant type: single nucleotide variant.
Coding change: c.4192C>T on transcript NM_002972.4 (MANE Select); coding-DNA position 4192, C replaced by T.
Protein change: p.Pro1398Ser; replaces proline 1398 with serine.
Molecular consequence: missense variant.
Genome position (GRCh38, 1-based): chr22:50,456,290, G>A on the plus strand (C>T on the coding strand, the complement: SBF1 is on the minus strand). VCF-style: chr22-50456290-G-A. GRCh37 (hg19) VCF-style: chr22-50894719-G-A.
Other names: c.4117C>T, p.Pro1373Ser (NM_001365819.1); c.4195C>T, p.Pro1399Ser (NM_001410794.1); c.4114C>T, p.Pro1372Ser (NM_001410795.1); c.4192C>T, p.Pro1398Ser (NM_197971.1); c.4192C>T (NM_002972.3); short protein forms P1399S, P1372S, P1373S, P1398S.
Identifiers: ClinVar variation 2177255 (VCV002177255.2), dbSNP rs750573543, ClinGen allele CA10316359.

ClinVar aggregate classification (germline): Conflicting classifications of pathogenicity. Review status: criteria provided, conflicting classifications (1 of 4 stars). 2 submissions from 2 submitters: Likely pathogenic (1); Uncertain significance (1). Last evaluated 2022-06-03.

Conditions:
Tip-toe gait. Also called: Toe walking. Identifiers: MedGen C0427144, HP:0030051.

Allele frequency attached by ClinVar (database versions not stated): gnomAD exomes 0.00004; TOPMed 0.00002; gnomAD 0.00003; ExAC 0.00004.
gnomAD v4.1: 66 of 1,612,808 alleles (0.0041%); highest among the groups gnomAD compares: Non-Finnish European, 0.0053%; no homozygotes.

Submissions (2):

Practice for Gait Abnormalities, David Pomarino, Competency Network Toe Walking C/o Practice Pomarino
Classification: Likely pathogenic for Tip-toe gait. Last evaluated: 2022-06-03. Review status: criteria provided, single submitter. Criteria: Pomarino et al. (Glob Med Genet. 2026). Collection method: clinical testing. Allele origin: germline. Affected: yes.

Labcorp Genetics (formerly Invitae), Labcorp
Classification: Uncertain significance. Last evaluated: 2022-05-14. Review status: criteria provided, single submitter. Criteria: Invitae Variant Classification Sherloc (09022015). Collection method: clinical testing. Allele origin: germline.
Comment: This sequence change replaces proline, which is neutral and non-polar, with serine, which is neutral and polar, at codon 1398 of the SBF1 protein (p.Pro1398Ser). This variant is present in population databases (rs750573543, gnomAD 0.006%). This variant has not been reported in the literature in individuals affected with SBF1-related conditions. Algorithms developed to predict the effect of missense changes on protein structure and function are either unavailable or do not agree on the potential impact of this missense change (SIFT: "Tolerated"; PolyPhen-2: "Possibly Damaging"; Align-GVGD: "Class C0"). In summary, the available evidence is currently insufficient to determine the role of this variant in disease. Therefore, it has been classified as a Variant of Uncertain Significance.